The following is an entry in ClinVar:

NM_175634.3(RUNX1T1):c.828C>T (p.Tyr276=)

Gene: RUNX1T1 (RUNX1 partner transcriptional co-repressor 1; minus strand). Cytogenetic location: 8q21.3.
Variant type: single nucleotide variant.
Coding change: c.828C>T on transcript NM_175634.3 (MANE Select); coding-DNA position 828, C replaced by T.
Protein change: p.Tyr276=; no amino-acid change (tyrosine 276 retained).
Molecular consequence: synonymous variant.
Genome position (GRCh38, 1-based): chr8:91,991,802, G>A on the plus strand (C>T on the coding strand, the complement: RUNX1T1 is on the minus strand). VCF-style: chr8-91991802-G-A. GRCh37 (hg19) VCF-style: chr8-93004030-G-A.
Other names: c.747C>T, p.Tyr249= (NM_001198625.2, NM_001198632.2, NM_004349.4); c.828C>T, p.Tyr276= (NM_001198626.2, NM_001198627.2, NM_001198628.2 and 3 more transcripts); c.768C>T, p.Tyr256= (NM_001198633.2); c.861C>T, p.Tyr287= (NM_001198634.2); c.1005C>T, p.Tyr335= (NM_001198679.3); c.912C>T, p.Tyr304= (NM_001395209.1); c.717C>T, p.Tyr239= (NM_175635.3, NM_175636.2); c.1005C>T (NM_001198679.1).
Identifiers: ClinVar variation 710209 (VCV000710209.7), dbSNP rs143607818, ClinGen allele CA4806034.

ClinVar aggregate classification (germline): Benign. Review status: criteria provided, multiple submitters, no conflicts (2 of 4 stars). 3 submissions from 3 submitters: Benign (2). 1 of the submissions does not count toward it. Last evaluated 2018-07-02.

Conditions:
RUNX1T1-related disorder. Also called: RUNX1T1-related condition.

Allele frequency attached by ClinVar (database versions not stated): 1000 Genomes Project 30x 0.00094; 1000 Genomes Project 0.00100; TOPMed 0.00151; ExAC 0.00157; gnomAD exomes 0.00158 and 0.00238; gnomAD 0.00169 and 0.00172; ESP Exome Variant Server 0.00177.
gnomAD v4.1: 3,714 of 1,614,112 alleles (0.23%); highest among the groups gnomAD compares: Middle Eastern, 0.49%; 11 homozygotes.

Submissions (3):

Labcorp Genetics (formerly Invitae), Labcorp
Classification: Benign. Last evaluated: 2018-07-02. Review status: criteria provided, single submitter. Criteria: Invitae Variant Classification Sherloc (09022015). Collection method: clinical testing. Allele origin: germline.

Breakthrough Genomics
Classification: Benign. Review status: criteria provided, single submitter. Criteria: ACMG Guidelines, 2015. Collection method: not provided. Allele origin: germline. Inheritance: Unknown mechanism. Affected: yes.

PreventionGenetics, part of Exact Sciences
Classification: Likely benign for RUNX1T1-related condition. Last evaluated: 2019-04-04. Review status: no assertion criteria provided. Collection method: clinical testing. Allele origin: germline. Not counted in ClinVar's aggregate classification.
Comment: This variant is classified as likely benign based on ACMG/AMP sequence variant interpretation guidelines (Richards et al. 2015 PMID: 25741868, with internal and published modifications).